The following is an entry in ClinVar:

NM_033305.3(VPS13A):c.144+1G>A

Gene: VPS13A (vacuolar protein sorting 13 homolog A; plus strand). Cytogenetic location: 9q21.2.
Variant type: single nucleotide variant.
Coding change: c.144+1G>A on transcript NM_033305.3 (MANE Select); the canonical splice donor site of the intron after coding-DNA position 144, G replaced by A.
Molecular consequence: splice donor variant.
Genome position (GRCh38, 1-based): chr9:77,199,989, G>A. VCF-style: chr9-77199989-G-A. GRCh37 (hg19) VCF-style: chr9-79814905-G-A.
Other names: c.144+1G>A (NM_001018037.2, NM_015186.4, NM_001018038.3).
Identifiers: ClinVar variation 4816378 (VCV004816378.1).

ClinVar aggregate classification (germline): Pathogenic (1 of 4 stars; one submission).

Conditions:
VPS13A-related neurodegenerative disease. Also called: LEVINE-CRITCHLEY SYNDROME; Choreoacanthocytosis; Chorea-acanthocytosis; ACANTHOCYTOSIS WITH NEUROLOGIC DISORDER; VPS13A Disease; Choreaacanthocytosis. Identifiers: Orphanet 2388, MedGen C0393576, MONDO:0008695, OMIM 200150.

Submission:

Natera, Inc.
Classification: Pathogenic for Choreaacanthocytosis. Last evaluated: 2025-07-18. Review status: criteria provided, single submitter. Criteria: Natera Variant Classification Schema (03/2026). Collection method: clinical testing. Allele origin: germline.
Comment: The c.144+1G>A variant in VPS13A is a canonical splice donor site variant predicted to affect pre-mRNA splicing, which may result in an abnormal transcript and altered protein product. This variant is expected to result in nonsense mediated decay, truncation, or a dysfunctional protein product. This variant is rare in the general population with a frequency below the threshold expected for the associated phenotype(s). Another variant at this same site results in an alteration predicted to cause a similar molecular effect has been observed in individual(s) with the associated phenotype. Given the available evidence, this variant is classified as Pathogenic.